The following is an entry in ClinVar:

NM_001099922.3(ALG13):c.240C>A (p.His80Gln)

Gene: ALG13 (ALG13 UDP-N-acetylglucosaminyltransferase subunit; plus strand). Cytogenetic location: Xq23.
Variant type: single nucleotide variant.
Coding change: c.240C>A on transcript NM_001099922.3 (MANE Select); coding-DNA position 240, C replaced by A.
Protein change: p.His80Gln; replaces histidine 80 with glutamine.
Molecular consequence: missense variant. On other transcripts: intron variant (3), 5 prime UTR variant (9), non-coding transcript variant (3).
Genome position (GRCh38, 1-based): chrX:111,682,290, C>A. VCF-style: chrX-111682290-C-A. GRCh37 (hg19) VCF-style: chrX-110925518-C-A.
Other names: c.10+55C>A (NM_001257241.3, NM_001257231.2); c.185+55C>A (NM_001039210.5); c.240C>A, p.His80Gln (NM_001168385.3, NM_001324290.2, NM_001324292.2 and 1 more transcripts); c.-73C>A (NM_001257230.2, NM_001257234.2, NM_001257235.3 and 6 more transcripts); short protein forms H80Q.
Identifiers: ClinVar variation 4882447 (VCV004882447.2).

ClinVar aggregate classification (germline): Uncertain significance (1 of 4 stars; one submission).

Conditions:
Developmental and epileptic encephalopathy, 36 (DEE36). Also called: Epileptic encephalopathy, early infantile, 36; Congenital disorder of glycosylation, type Is; ALG13-CDG. Identifiers: Orphanet 324422, MedGen C4317295, MONDO:0010472, OMIM 300884.

Submission:

Dasa
Classification: Uncertain significance for Developmental and epileptic encephalopathy, 36. Last evaluated: 2026-03-19. Review status: criteria provided, single submitter. Criteria: DASA Assertion Criteria. Collection method: clinical testing. Allele origin: germline.
Comment: NM_001099922.3(ALG13):c.240C>A (p.His80Gln) is a missense variant that results in the substitution of histidine with glutamine. This variant is absent from population databases. Computational prediction algorithms are consistent with a deleterious effect. The currently available literature and clinical evidence are not sufficient to establish a definitive association between this variant and the reported condition. Therefore, this variant is classified as a variant of uncertain significance.